The following is an entry in ClinVar:

ClinVar aggregate classification (germline): Pathogenic (1 of 4 stars; one submission).

Submission:

Labcorp Genetics (formerly Invitae), Labcorp
Classification: Pathogenic. Last evaluated: 2024-10-24. Review status: criteria provided, single submitter. Criteria: Invitae Variant Classification Sherloc (09022015). Collection method: clinical testing. Allele origin: germline.
Comment: This sequence change creates a premature translational stop signal (p.Val32*) in the DTNBP1 gene. It is expected to result in an absent or disrupted protein product. Loss-of-function variants in DTNBP1 are known to be pathogenic (PMID: 12923531, 23364359). This variant is not present in population databases (gnomAD no frequency). This variant has not been reported in the literature in individuals affected with DTNBP1-related conditions. ClinVar contains an entry for this variant (Variation ID: 1433981). For these reasons, this variant has been classified as Pathogenic.

Literature cited by the submitters: PubMed 12923531; PubMed 23364359.

NM_032122.5(DTNBP1):c.93del (p.Lys31_Val32insTer)

Gene: DTNBP1 (dystrobrevin binding protein 1; minus strand). Cytogenetic location: 6p22.3.
Variant type: Deletion.
Coding change: c.93del on transcript NM_032122.5 (MANE Select); coding-DNA position 93, one base deleted (A; older notation c.93delA).
Protein change: p.Lys31_Val32insTer.
Molecular consequence: frameshift variant. On other transcripts: 5 prime UTR variant (1), non-coding transcript variant (1), intron variant (1).
Genome position (GRCh38, 1-based): chr6:15,652,104, T deleted on the plus strand (A on the coding strand, the reverse complement: DTNBP1 is on the minus strand); the first of 4 consecutive T bases (chr6:15,652,104-15,652,107); deleting any one gives the same sequence. VCF-style (leftmost placement, unchanged base first): chr6-15652103-CT-C. GRCh37 (hg19) VCF-style: chr6-15652334-CT-C.
Other names: c.-196del (NM_001271667.2); c.93del, p.Lys31_Val32insTer (NM_001271668.2, NM_183040.2); c.56+10710del (NM_001271669.2).
Identifiers: ClinVar variation 1433981 (VCV001433981.6), dbSNP rs2113810317, ClinGen allele CA2559681216.